The following is an entry in ClinVar:

ClinVar aggregate classification (germline): Uncertain significance (1 of 4 stars; one submission).

Conditions:
Ataxia-telangiectasia syndrome (AT). Also called: Cerebello-oculocutaneous telangiectasia; Immunodeficiency with ataxia telangiectasia; LOUIS-BAR SYNDROME; ATAXIA-TELANGIECTASIA, FRESNO VARIANT; Ataxia-telangiectasia, complementation group D; AT, COMPLEMENTATION GROUP C. Identifiers: Orphanet 100, MedGen C0004135, MONDO:0008840, OMIM 208900.

Submission:

Labcorp Genetics (formerly Invitae), Labcorp
Classification: Uncertain significance for Ataxia-telangiectasia syndrome. Last evaluated: 2024-12-19. Review status: criteria provided, single submitter. Criteria: Invitae Variant Classification Sherloc (09022015). Collection method: clinical testing. Allele origin: germline.
Comment: This sequence change replaces threonine, which is neutral and polar, with alanine, which is neutral and non-polar, at codon 1721 of the ATM protein (p.Thr1721Ala). This variant is not present in population databases (gnomAD no frequency). This variant has not been reported in the literature in individuals affected with ATM-related conditions. ClinVar contains an entry for this variant (Variation ID: 2149294). Invitae Evidence Modeling of protein sequence and biophysical properties (such as structural, functional, and spatial information, amino acid conservation, physicochemical variation, residue mobility, and thermodynamic stability) indicates that this missense variant is not expected to disrupt ATM protein function with a negative predictive value of 95%. In summary, the available evidence is currently insufficient to determine the role of this variant in disease. Therefore, it has been classified as a Variant of Uncertain Significance.

NM_000051.4(ATM):c.5161A>G (p.Thr1721Ala)

Gene: ATM (ATM serine/threonine kinase; plus strand). Cytogenetic location: 11q22.3.
Variant type: single nucleotide variant.
Coding change: c.5161A>G on transcript NM_000051.4 (MANE Select); coding-DNA position 5161, A replaced by G.
Protein change: p.Thr1721Ala; replaces threonine 1721 with alanine.
Molecular consequence: missense variant.
Genome position (GRCh38, 1-based): chr11:108,299,869, A>G. VCF-style: chr11-108299869-A-G. GRCh37 (hg19) VCF-style: chr11-108170596-A-G.
Other names: c.5161A>G, p.Thr1721Ala (NM_001351834.2); short protein forms T1721A.
Identifiers: ClinVar variation 2149294 (VCV002149294.4), dbSNP rs2135892889, ClinGen allele CA382541123.